The following is an entry in ClinVar:

ClinVar aggregate classification (germline): Uncertain significance. Review status: criteria provided, multiple submitters, no conflicts (2 of 4 stars). 2 submissions from 2 submitters: Uncertain significance (2). Last evaluated 2024-01-10.

Conditions:
Fatal mitochondrial disease due to combined oxidative phosphorylation defect type 3. Also called: ENCEPHALOMYOPATHY, RESPIRATORY FAILURE, AND LACTIC ACIDOSIS; Combined oxidative phosphorylation deficiency 3. Identifiers: Orphanet 168566, MedGen C1864840, MONDO:0012512, OMIM 610505.

Submissions (2):

Fulgent Genetics
Classification: Uncertain significance for Fatal mitochondrial disease due to combined oxidative phosphorylation defect type 3. Last evaluated: 2024-01-10. Review status: criteria provided, single submitter. Criteria: ACMG Guidelines, 2015. Collection method: clinical testing. Allele origin: germline.

Labcorp Genetics (formerly Invitae), Labcorp
Classification: Uncertain significance. Last evaluated: 2022-01-04. Review status: criteria provided, single submitter. Criteria: Invitae Variant Classification Sherloc (09022015). Collection method: clinical testing. Allele origin: germline.
Comment: This sequence change replaces tyrosine, which is neutral and polar, with asparagine, which is neutral and polar, at codon 159 of the TSFM protein (p.Tyr159Asn). This variant is not present in population databases (gnomAD no frequency). This variant has not been reported in the literature in individuals affected with TSFM-related conditions. Algorithms developed to predict the effect of missense changes on protein structure and function are either unavailable or do not agree on the potential impact of this missense change (SIFT: "Tolerated"; PolyPhen-2: "Possibly Damaging"; Align-GVGD: "Class C15"). In summary, the available evidence is currently insufficient to determine the role of this variant in disease. Therefore, it has been classified as a Variant of Uncertain Significance.

NM_005726.6(TSFM):c.475T>A (p.Tyr159Asn)

Gene: TSFM (Ts translation elongation factor, mitochondrial; plus strand). Cytogenetic location: 12q14.1.
Variant type: single nucleotide variant.
Coding change: c.475T>A on transcript NM_005726.6 (MANE Select); coding-DNA position 475, T replaced by A.
Protein change: p.Tyr159Asn; replaces tyrosine 159 with asparagine.
Molecular consequence: missense variant.
Genome position (GRCh38, 1-based): chr12:57,787,154, T>A. VCF-style: chr12-57787154-T-A. GRCh37 (hg19) VCF-style: chr12-58180937-T-A.
Other names: c.475T>A, p.Tyr159Asn (NM_001172695.2, NM_001172696.2, NM_001172697.2); short protein forms Y159N.
Identifiers: ClinVar variation 1501232 (VCV001501232.6), dbSNP rs2140418154, ClinGen allele CA385527428.